The following is an entry in ClinVar:

ClinVar aggregate classification (germline): Pathogenic. Review status: criteria provided, single submitter (1 of 4 stars). 2 submissions from 2 submitters: Pathogenic (1). 1 of the submissions does not count toward it. Last evaluated 2023-04-10.

Conditions:
Early-infantile DEE. Also called: Early infantile epileptic encephalopathy; Ohtahara syndrome; Early infantile epileptic encephalopathy with suppression bursts. Identifiers: Orphanet 1934, MedGen C0393706, MONDO:0800491.
Seizures, benign familial neonatal, 1. Also called: KCNQ2-Related Benign Familial Neonatal Epilepsy; Benign Neonatal Epilepsy 1; KCNQ2-Related Self-Limited Familial Neonatal Epilepsy (SLFNE); Seizures, benign neonatal, 1. Identifiers: Orphanet 1949, MedGen C3149074, MONDO:0007365, OMIM 121200.

Submissions (2):

Labcorp Genetics (formerly Invitae), Labcorp
Classification: Pathogenic for Early-infantile DEE. Last evaluated: 2023-04-10. Review status: criteria provided, single submitter. Criteria: Invitae Variant Classification Sherloc (09022015). Collection method: clinical testing. Allele origin: germline.
Comment: For these reasons, this variant has been classified as Pathogenic. This variant disrupts the p.Leu351 amino acid residue in KCNQ2. Other variant(s) that disrupt this residue have been determined to be pathogenic (Invitae). This suggests that this residue is clinically significant, and that variants that disrupt this residue are likely to be disease-causing. Experimental studies have shown that this missense change affects KCNQ2 function (PMID: 24375629). Advanced modeling of protein sequence and biophysical properties (such as structural, functional, and spatial information, amino acid conservation, physicochemical variation, residue mobility, and thermodynamic stability) performed at Invitae indicates that this missense variant is expected to disrupt KCNQ2 protein function. ClinVar contains an entry for this variant (Variation ID: 369779). This missense change has been observed in individual(s) with KCNQ2-related conditions (PMID: 24375629). It has also been observed to segregate with disease in related individuals. This variant is not present in population databases (gnomAD no frequency). This sequence change replaces leucine, which is neutral and non-polar, with phenylalanine, which is neutral and non-polar, at codon 351 of the KCNQ2 protein (p.Leu351Phe).

GeneReviews
No classification provided. Condition: Seizures, benign familial neonatal, 1. Review status: no classification provided. Collection method: literature only. Allele origin: germline. Affected: yes. Not counted in ClinVar's aggregate classification.
Comment: BFNE (benign familial neonatal epilepsy)

Functional effect: CHO:Q2wt:Q2mut:Q3, Ì´20%reduced current expression; reduced Syx effects

Literature cited by the submitters: PubMed 24375629 (cited by Labcorp Genetics (formerly Invitae), Labcorp and GeneReviews); NCBI Bookshelf NBK32534 (cited by GeneReviews).

NM_172107.4(KCNQ2):c.1051C>T (p.Leu351Phe)

Gene: KCNQ2 (potassium voltage-gated channel subfamily Q member 2; minus strand). Cytogenetic location: 20q13.33.
Variant type: single nucleotide variant.
Coding change: c.1051C>T on transcript NM_172107.4 (MANE Select); coding-DNA position 1051, C replaced by T.
Protein change: p.Leu351Phe; replaces leucine 351 with phenylalanine.
Molecular consequence: missense variant.
Genome position (GRCh38, 1-based): chr20:63,433,876, G>A on the plus strand (C>T on the coding strand, the complement: KCNQ2 is on the minus strand). VCF-style: chr20-63433876-G-A. GRCh37 (hg19) VCF-style: chr20-62065229-G-A.
Other names: c.1051C>T, p.Leu351Phe (NM_004518.6, NM_172106.3, NM_172108.5 and 1 more transcripts); short protein forms L351F.
Identifiers: ClinVar variation 369779 (VCV000369779.8), dbSNP rs1057516106, ClinGen allele CA10654800.